The following is an entry in ClinVar:

NM_002582.4(PARN):c.1109A>G (p.Asp370Gly)

Gene: PARN (poly(A)-specific ribonuclease; minus strand). Cytogenetic location: 16p13.12.
Variant type: single nucleotide variant.
Coding change: c.1109A>G on transcript NM_002582.4 (MANE Select); coding-DNA position 1109, A replaced by G.
Protein change: p.Asp370Gly; replaces aspartic acid 370 with glycine.
Molecular consequence: missense variant.
Genome position (GRCh38, 1-based): chr16:14,582,264, T>C on the plus strand (A>G on the coding strand, the complement: PARN is on the minus strand). VCF-style: chr16-14582264-T-C. GRCh37 (hg19) VCF-style: chr16-14676121-T-C.
Other names: c.926A>G, p.Asp309Gly (NM_001134477.3); c.971A>G, p.Asp324Gly (NM_001242992.2); c.1109A>G (NM_002582.3); short protein forms D324G, D370G, D309G.
Identifiers: ClinVar variation 2932551 (VCV002932551.4), dbSNP rs1264454543, ClinGen allele CA394801954.

ClinVar aggregate classification (germline): Uncertain significance. Review status: criteria provided, multiple submitters, no conflicts (2 of 4 stars). 2 submissions from 2 submitters: Uncertain significance (2). Last evaluated 2024-11-11.

Conditions:
Dyskeratosis congenita, autosomal recessive 6 (DKCB6). Identifiers: MedGen C4225356, MONDO:0014600, OMIM 616353.
Pulmonary fibrosis and/or bone marrow failure, Telomere-related, 4. Also called: PULMONARY FIBROSIS AND/OR BONE MARROW FAILURE SYNDROME, TELOMERE-RELATED, 4. Identifiers: Orphanet 2032, MedGen C4225347, MONDO:0014612, OMIM 616371.
Inborn genetic diseases. Identifiers: MedGen C0950123, MeSH D030342.

Allele frequency attached by ClinVar (database versions not stated): TOPMed below 0.00001; gnomAD 0.00001.
gnomAD v4.1: 2 of 1,613,524 alleles (0.00012%); highest among the groups gnomAD compares: African/African-American, 0.0027%; no homozygotes.

Submissions (2):

Ambry Genetics
Classification: Uncertain significance for Inborn genetic diseases. Last evaluated: 2024-11-11. Review status: criteria provided, single submitter. Criteria: Ambry Variant Classification Scheme 2023. Collection method: clinical testing. Allele origin: germline.

Labcorp Genetics (formerly Invitae), Labcorp
Classification: Uncertain significance for Dyskeratosis congenita, autosomal recessive 6; Pulmonary fibrosis and/or bone marrow failure, Telomere-related, 4. Last evaluated: 2022-11-05. Review status: criteria provided, single submitter. Criteria: Invitae Variant Classification Sherloc (09022015). Collection method: clinical testing. Allele origin: germline.
Comment: In summary, the available evidence is currently insufficient to determine the role of this variant in disease. Therefore, it has been classified as a Variant of Uncertain Significance. Advanced modeling of protein sequence and biophysical properties (such as structural, functional, and spatial information, amino acid conservation, physicochemical variation, residue mobility, and thermodynamic stability) performed at Invitae indicates that this missense variant is not expected to disrupt PARN protein function. This variant has not been reported in the literature in individuals affected with PARN-related conditions. This variant is present in population databases (no rsID available, gnomAD 0.01%). This sequence change replaces aspartic acid, which is acidic and polar, with glycine, which is neutral and non-polar, at codon 370 of the PARN protein (p.Asp370Gly).